The following is an entry in ClinVar:

NM_000535.7(PMS2):c.1314G>T (p.Lys438Asn)

Gene: PMS2 (PMS1 homolog 2, mismatch repair system component; minus strand). Cytogenetic location: 7p22.1.
Variant type: single nucleotide variant.
Coding change: c.1314G>T on transcript NM_000535.7 (MANE Select); coding-DNA position 1314, G replaced by T.
Protein change: p.Lys438Asn; replaces lysine 438 with asparagine.
Molecular consequence: missense variant. On other transcripts: non-coding transcript variant (1).
Genome position (GRCh38, 1-based): chr7:5,987,451, C>A on the plus strand (G>T on the coding strand, the complement: PMS2 is on the minus strand). VCF-style: chr7-5987451-C-A. GRCh37 (hg19) VCF-style: chr7-6027082-C-A.
Other names: c.909G>T, p.Lys303Asn (NM_001018040.1, NM_001322003.2, NM_001322004.2 and 17 more transcripts); c.1158G>T, p.Lys386Asn (NM_001322006.2, NM_001406870.1); c.996G>T, p.Lys332Asn (NM_001322007.2, NM_001322008.2, NM_001406903.1 and 2 more transcripts); c.753G>T, p.Lys251Asn (NM_001322010.2, NM_001406906.1, NM_001406907.1); c.381G>T, p.Lys127Asn (NM_001322011.2, NM_001322012.2); c.741G>T, p.Lys247Asn (NM_001322013.2, NM_001406909.1); c.1314G>T, p.Lys438Asn (NM_001322014.2, NM_001406871.1, NM_001406872.1); c.1005G>T, p.Lys335Asn (NM_001322015.2, NM_001406875.1, NM_001406877.1 and 5 more transcripts); and 12 more; short protein forms K127N, K267N, K280N, K303N, K330N, K438N, K181N, K247N.
Identifiers: ClinVar variation 1769761 (VCV001769761.6), dbSNP rs2128733617, ClinGen allele CA366742353.
Genomic context (GRCh38, chr7:5,987,451, plus strand): 5'-AGTGCTAGAAGACAGCATACCCCTTTTCTGTCCTAGAGGGCTCCTTCTTGGTTCTGGAGT[C>A]TTTGGGCTGTGAGGCTTGTTCTCTGTTGTGTGACGAAGAGAAAAGGCCTCTCGCAGTCTG-3'
Protein context (NP_000526.2, residues 428-448): HTTENKPHSP[Lys438Asn]TPEPRRSPLG

ClinVar aggregate classification (germline): Conflicting classifications of pathogenicity. Review status: criteria provided, conflicting classifications (1 of 4 stars). 2 submissions from 2 submitters: Uncertain significance (1); Likely benign (1). Last evaluated 2026-08-14.

Conditions:
Hereditary nonpolyposis colorectal neoplasms. Identifiers: MedGen C0009405, MeSH D003123.
Hereditary cancer-predisposing syndrome. Also called: Hereditary Cancer Syndrome; Hereditary neoplastic syndrome; Neoplastic Syndromes, Hereditary; Tumor predisposition. Identifiers: Orphanet 140162, MedGen C0027672, MeSH D009386, MONDO:0015356.

Submissions (2):

Ambry Genetics
Classification: Likely benign for Hereditary cancer-predisposing syndrome. Last evaluated: 2026-08-14. Review status: criteria provided, single submitter. Criteria: Ambry Variant Classification Scheme 2023. Collection method: clinical testing. Allele origin: germline.

Labcorp Genetics (formerly Invitae), Labcorp
Classification: Uncertain significance for Hereditary nonpolyposis colorectal neoplasms. Last evaluated: 2023-06-27. Review status: criteria provided, single submitter. Criteria: Invitae Variant Classification Sherloc (09022015). Collection method: clinical testing. Allele origin: germline.
Comment: This variant is not present in population databases (gnomAD no frequency). In summary, the available evidence is currently insufficient to determine the role of this variant in disease. Therefore, it has been classified as a Variant of Uncertain Significance. Advanced modeling of protein sequence and biophysical properties (such as structural, functional, and spatial information, amino acid conservation, physicochemical variation, residue mobility, and thermodynamic stability) performed at Invitae indicates that this missense variant is not expected to disrupt PMS2 protein function. ClinVar contains an entry for this variant (Variation ID: 1769761). This variant has not been reported in the literature in individuals affected with PMS2-related conditions. This sequence change replaces lysine, which is basic and polar, with asparagine, which is neutral and polar, at codon 438 of the PMS2 protein (p.Lys438Asn).